The following is an entry in ClinVar:

ClinVar aggregate classification (germline): Likely pathogenic (1 of 4 stars; one submission).

Conditions:
Neuromuscular disease caused by qualitative or quantitative defects of dysferlin. Also called: Qualitative or quantitative defects of dysferlin; Dysferlinopathy. Identifiers: Orphanet 207073, MedGen C2931687, MONDO:0016145.

Submission:

Labcorp Genetics (formerly Invitae), Labcorp
Classification: Likely pathogenic for Neuromuscular disease caused by qualitative or quantitative defects of dysferlin. Last evaluated: 2023-05-29. Review status: criteria provided, single submitter. Criteria: Invitae Variant Classification Sherloc (09022015). Collection method: clinical testing. Allele origin: germline.
Comment: This sequence change replaces phenylalanine, which is neutral and non-polar, with serine, which is neutral and polar, at codon 1871 of the DYSF protein (p.Phe1871Ser). This variant is not present in population databases (gnomAD no frequency). This missense change has been observed in individual(s) with limb-girdle muscular dystrophy (PMID: 17897828). ClinVar contains an entry for this variant (Variation ID: 962018). Advanced modeling of protein sequence and biophysical properties (such as structural, functional, and spatial information, amino acid conservation, physicochemical variation, residue mobility, and thermodynamic stability) has been performed at Invitae for this missense variant, however the output from this modeling did not meet the statistical confidence thresholds required to predict the impact of this variant on DYSF protein function. In summary, the currently available evidence indicates that the variant is pathogenic, but additional data are needed to prove that conclusively. Therefore, this variant has been classified as Likely Pathogenic.

Literature cited by the submitters: PubMed 17897828.

NM_001130987.2(DYSF):c.5729T>C (p.Phe1910Ser)

Gene: DYSF (dysferlin; plus strand). Cytogenetic location: 2p13.2.
Variant type: single nucleotide variant.
Coding change: c.5729T>C on transcript NM_001130987.2 (MANE Select); coding-DNA position 5729, T replaced by C.
Protein change: p.Phe1910Ser; replaces phenylalanine 1910 with serine.
Molecular consequence: missense variant.
Genome position (GRCh38, 1-based): chr2:71,669,691, T>C. VCF-style: chr2-71669691-T-C. GRCh37 (hg19) VCF-style: chr2-71896821-T-C.
Other names: c.5615T>C, p.Phe1872Ser (NM_001130455.2); c.5570T>C, p.Phe1857Ser (NM_001130976.2); c.5633T>C, p.Phe1878Ser (NM_001130977.2); c.5675T>C, p.Phe1892Ser (NM_001130978.2); c.5705T>C, p.Phe1902Ser (NM_001130979.2); c.5663T>C, p.Phe1888Ser (NM_001130980.2); c.5726T>C, p.Phe1909Ser (NM_001130981.2); c.5708T>C, p.Phe1903Ser (NM_001130982.2); and 5 more; short protein forms F1857S, F1888S, F1909S, F1878S, F1892S, F1902S, F1910S, F1858S.
Identifiers: ClinVar variation 962018 (VCV000962018.8), dbSNP rs2095084796, ClinGen allele CA347223886.